The following is an entry in ClinVar:

ClinVar aggregate classification (germline): Conflicting classifications of pathogenicity. Review status: criteria provided, conflicting classifications (1 of 4 stars). 5 submissions from 5 submitters: Uncertain significance (4); Likely benign (1). Last evaluated 2025-09-27.

Conditions:
Inborn genetic diseases. Identifiers: MedGen C0950123, MeSH D030342.
Neuropathy, hereditary sensory, type 2C. Also called: Hereditary sensory and autonomic neuropathy type IIC; KIF1A-Related HSAN2 (HSAN2C). Identifiers: Orphanet 970, MedGen C3280168, MONDO:0013634, OMIM 614213.
Hereditary spastic paraplegia 30. Identifiers: Orphanet 101010, MedGen C5235139, MONDO:0012476.
Intellectual disability, autosomal dominant 9 (NESCAVS). Also called: NESCAV SYNDROME; KIF1A-Related Neurodevelopmental Disorder. Identifiers: Orphanet 662367, MedGen C5393830, MONDO:0013656, OMIM 614255.

Allele frequency attached by ClinVar (database versions not stated): TOPMed 0.00003; ESP Exome Variant Server 0.00008.
gnomAD v4.1: 94 of 1,586,764 alleles (0.0059%); highest among the groups gnomAD compares: Non-Finnish European, 0.0075%; no homozygotes.

Submissions (5):

Labcorp Genetics (formerly Invitae), Labcorp
Classification: Likely benign for Hereditary spastic paraplegia 30; Neuropathy, hereditary sensory, type 2C; Intellectual disability, autosomal dominant 9. Last evaluated: 2025-09-27. Review status: criteria provided, single submitter. Criteria: Invitae Variant Classification Sherloc (09022015). Collection method: clinical testing. Allele origin: germline.

Blueprint Genetics
Classification: Uncertain significance. Last evaluated: 2024-07-01. Review status: criteria provided, single submitter. Criteria: ACMG Guidelines, 2015. Collection method: clinical testing. Allele origin: germline.

Athena Diagnostics
Classification: Uncertain significance. Last evaluated: 2021-04-12. Review status: criteria provided, single submitter. Criteria: Athena Diagnostics criteria. Collection method: clinical testing. Allele origin: unknown.

Ambry Genetics
Classification: Uncertain significance for Inborn genetic diseases. Last evaluated: 2021-03-23. Review status: criteria provided, single submitter. Criteria: Ambry Variant Classification Scheme 2023. Collection method: clinical testing. Allele origin: germline.
Comment: The p.R1296G variant (also known as c.3886C>G), located in coding exon 36 of the KIF1A gene, results from a C to G substitution at nucleotide position 3886. The arginine at codon 1296 is replaced by glycine, an amino acid with dissimilar properties. This amino acid position is well conserved in available vertebrate species. In addition, the in silico prediction for this alteration is inconclusive. Since supporting evidence is limited at this time, the clinical significance of this alteration remains unclear.

GeneDx
Classification: Uncertain significance. Last evaluated: 2017-07-10. Review status: criteria provided, single submitter. Criteria: GeneDx Variant Classification (06012015). Collection method: clinical testing. Allele origin: germline. Affected: yes.
Comment: A variant of uncertain significance has been identified in the KIF1A gene. The R1195G variant has not been published as a pathogenic variant, nor has it been reported as a benign variant to our knowledge. The R1195G variant is observed in 8/19384 (0.04%) alleles from individuals of European background (Lek et al., 2016; 1000 Genomes Consortium et al., 2015; Exome Variant Server). The R1195G variant is a non-conservative amino acid substitution, which is likely to impact secondary protein structure as these residues differ in polarity, charge, size and/or other properties. In silico analysis predicts this variant is probably damaging to the protein structure/function. However, this substitution occurs at a position where amino acids with similar properties to Arginine are tolerated across species. Additionally, this amino acid substitution does not occur within the predicted motor domain of the protein, where all pathogenic missense KIF1A pathogenic variants have been identified to-date (Lee et al., 2014). Therefore, based on the currently available information, it is unclear whether this variant is a pathogenic variant or a rare benign variant.

NM_001244008.2(KIF1A):c.3886C>G (p.Arg1296Gly)

Genes: KIF1A (kinesin family member 1A; minus strand), LOC126806583 (P300/CBP strongly-dependent group 1 enhancer GRCh37_chr2:241678910-241680109; plus strand). Cytogenetic location: 2q37.3.
Variant type: single nucleotide variant.
Coding change: c.3886C>G on transcript NM_001244008.2 (MANE Select); coding-DNA position 3886, C replaced by G.
Protein change: p.Arg1296Gly; replaces arginine 1296 with glycine.
Molecular consequence: missense variant.
Genome position (GRCh38, 1-based): chr2:240,740,073, G>C on the plus strand (C>G on the coding strand, the complement: KIF1A is on the minus strand). VCF-style: chr2-240740073-G-C. GRCh37 (hg19) VCF-style: chr2-241679490-G-C.
Other names: c.3610C>G, p.Arg1204Gly (NM_001320705.2, NM_001330289.2, NM_001379638.1); c.3685C>G, p.Arg1229Gly (NM_001330290.2, NM_001379634.1, NM_001379635.1 and 1 more transcripts); c.3961C>G, p.Arg1321Gly (NM_001379631.1); c.3835C>G, p.Arg1279Gly (NM_001379632.1); c.3859C>G, p.Arg1287Gly (NM_001379633.1, NM_001379642.1, NM_001379645.1); c.3583C>G, p.Arg1195Gly (NM_001379636.1, NM_001379639.1, NM_001379641.1 and 5 more transcripts); c.3658C>G, p.Arg1220Gly (NM_001379637.1, NM_001379648.1); c.3580C>G, p.Arg1194Gly (NM_001379640.1); short protein forms R1195G, R1296G, R1204G, R1229G, R1194G, R1220G, R1279G, R1287G.
Identifiers: ClinVar variation 450328 (VCV000450328.15), dbSNP rs201684653, ClinGen allele CA2207608.